The following is an entry in ClinVar:

NM_144991.3(TSPEAR):c.306G>A (p.Arg102=)

Gene: TSPEAR (thrombospondin type laminin G domain and EAR repeats; minus strand). Cytogenetic location: 21q22.3.
Variant type: single nucleotide variant.
Coding change: c.306G>A on transcript NM_144991.3 (MANE Select); coding-DNA position 306, G replaced by A.
Protein change: p.Arg102=; no amino-acid change (arginine 102 retained).
Molecular consequence: synonymous variant.
Genome position (GRCh38, 1-based): chr21:44,533,921, C>T on the plus strand (G>A on the coding strand, the complement: TSPEAR is on the minus strand). VCF-style: chr21-44533921-C-T. GRCh37 (hg19) VCF-style: chr21-45953804-C-T.
Other names: c.102G>A, p.Arg34= (NM_001272037.2).
Identifiers: ClinVar variation 228051 (VCV000228051.5), dbSNP rs782275376, ClinGen allele CA10057059.

ClinVar aggregate classification (germline): Likely benign (1 of 4 stars; one submission).

Allele frequency attached by ClinVar (database versions not stated): gnomAD exomes below 0.00001; ExAC 0.00001; gnomAD 0.00001; TOPMed 0.00002.
gnomAD v4.1: 3 of 1,610,452 alleles (0.00019%); highest among the groups gnomAD compares: African/African-American, 0.0027%; no homozygotes.

Submission:

Laboratory for Molecular Medicine, Mass General Brigham Personalized Medicine
Classification: Likely benign. Last evaluated: 2015-05-26. Review status: criteria provided, single submitter. Criteria: LMM Criteria. Collection method: clinical testing. Allele origin: germline. Observed: 1 variant allele.
Comment: p.Arg102Arg in exon 3 of TSPEAR: This variant is not expected to have clinical s ignificance because it does not alter an amino acid residue and is not located w ithin the splice consensus sequence. It has been identified in 1/8539 of African chromosomes by the Exome Aggregation Consortium (ExAC).